The following is an entry in ClinVar:

ClinVar aggregate classification (germline): Uncertain significance (1 of 4 stars; one submission).

Conditions:
Hereditary cancer-predisposing syndrome. Also called: Neoplastic Syndromes, Hereditary; Tumor predisposition; Hereditary neoplastic syndrome; Hereditary Cancer Syndrome. Identifiers: Orphanet 140162, MedGen C0027672, MeSH D009386, MONDO:0015356.

gnomAD v4.1: 1 of 1,603,590 alleles (0.000062%); highest among the groups gnomAD compares: South Asian, 0.0011%; no homozygotes.

Submission:

Ambry Genetics
Classification: Uncertain significance for Hereditary cancer-predisposing syndrome. Last evaluated: 2026-07-02. Review status: criteria provided, single submitter. Criteria: Ambry Variant Classification Scheme 2023. Collection method: clinical testing. Allele origin: germline.
Comment: The p.N54D variant (also known as c.160A>G), located in coding exon 1 of the AXIN2 gene, results from an A to G substitution at nucleotide position 160. The asparagine at codon 54 is replaced by aspartic acid, an amino acid with highly similar properties. This amino acid position is conserved. In addition, this alteration is predicted to be tolerated by in silico analysis. Based on the available evidence, the clinical significance of this variant remains unclear.

NM_004655.4(AXIN2):c.160A>G (p.Asn54Asp)

Gene: AXIN2 (axin 2; minus strand). Cytogenetic location: 17q24.1.
Variant type: single nucleotide variant.
Coding change: c.160A>G on transcript NM_004655.4 (MANE Select); coding-DNA position 160, A replaced by G.
Protein change: p.Asn54Asp; replaces asparagine 54 with aspartic acid.
Molecular consequence: missense variant.
Genome position (GRCh38, 1-based): chr17:65,558,461, T>C on the plus strand (A>G on the coding strand, the complement: AXIN2 is on the minus strand). VCF-style: chr17-65558461-T-C. GRCh37 (hg19) VCF-style: chr17-63554579-T-C.
Other names: c.160A>G, p.Asn54Asp (NM_001363813.1); short protein forms N54D.
Identifiers: ClinVar variation 5032525 (VCV005032525.1).